The following is an entry in ClinVar:

ClinVar aggregate classification (germline): Benign/Likely benign. Review status: criteria provided, multiple submitters, no conflicts (2 of 4 stars). 4 submissions from 4 submitters: Benign (1); Likely benign (2). 1 of the submissions does not count toward it. Last evaluated 2026-01-27.

Conditions:
WIPF1-related disorder. Also called: WIPF1-related condition.
Wiskott-Aldrich syndrome 2 (WAS2). Also called: WIPF1 DEFICIENCY. Identifiers: Orphanet 906, MedGen C3281001, MONDO:0013779, OMIM 614493.

Allele frequency attached by ClinVar (database versions not stated): 1000 Genomes Project 30x 0.00047; 1000 Genomes Project 0.00060; TOPMed 0.00109; ExAC 0.00168; gnomAD 0.00177 and 0.00186; gnomAD exomes 0.00185 and 0.00226; ESP Exome Variant Server 0.00223.
gnomAD v4.1: 3,491 of 1,613,924 alleles (0.22%); highest among the groups gnomAD compares: Non-Finnish European, 0.24%; 7 homozygotes.

Submissions (4):

Labcorp Genetics (formerly Invitae), Labcorp
Classification: Benign for Wiskott-Aldrich syndrome 2. Last evaluated: 2026-01-27. Review status: criteria provided, single submitter. Criteria: Invitae Variant Classification Sherloc (09022015). Collection method: clinical testing. Allele origin: germline.

Blueprint Genetics
Classification: Likely benign. Last evaluated: 2024-11-19. Review status: criteria provided, single submitter. Criteria: ACMG Guidelines, 2015. Collection method: clinical testing. Allele origin: germline.

Mayo Clinic Laboratories, Mayo Clinic
Classification: Likely benign. Last evaluated: 2024-07-26. Review status: criteria provided, single submitter. Criteria: ACMG Guidelines, 2015. Collection method: clinical testing. Allele origin: germline. Observed: 4 variant alleles.
Comment: BS1, BP4, BP7

PreventionGenetics, part of Exact Sciences
Classification: Likely benign for WIPF1-related condition. Last evaluated: 2020-02-14. Review status: no assertion criteria provided. Collection method: clinical testing. Allele origin: germline. Not counted in ClinVar's aggregate classification.
Comment: This variant is classified as likely benign based on ACMG/AMP sequence variant interpretation guidelines (Richards et al. 2015 PMID: 25741868, with internal and published modifications).

NM_001375834.1(WIPF1):c.78T>C (p.Asn26=)

Genes: WIPF1 (WAS/WASL interacting protein family member 1; minus strand), WIPF1-AS1 (WIPF1 and CHRNA1 antisense RNA 1; plus strand). Cytogenetic location: 2q31.1.
Variant type: single nucleotide variant.
Coding change: c.78T>C on transcript NM_001375834.1 (MANE Select); coding-DNA position 78, T replaced by C.
Protein change: p.Asn26=; no amino-acid change (asparagine 26 retained).
Molecular consequence: synonymous variant.
Genome position (GRCh38, 1-based): chr2:174,581,413, A>G on the plus strand (T>C on the coding strand, the complement: WIPF1 is on the minus strand). VCF-style: chr2-174581413-A-G. GRCh37 (hg19) VCF-style: chr2-175446141-A-G.
Other names: p.Asn26=; c.78T>C, p.Asn26= (NM_001077269.1, NM_001375832.1, NM_001375833.1 and 6 more transcripts).
Identifiers: ClinVar variation 472923 (VCV000472923.15), dbSNP rs35923393, ClinGen allele CA1974235.